The following is an entry in ClinVar:

NM_201550.4(LRRC10):c.823dup (p.Thr275fs)

Gene: LRRC10 (leucine rich repeat containing 10; minus strand). Cytogenetic location: 12q15.
Variant type: Duplication.
Coding change: c.823dup on transcript NM_201550.4 (MANE Select); coding-DNA position 823, one base duplicated (A; older notation c.823dupA).
Protein change: p.Thr275fs; shifts the reading frame from threonine 275.
Molecular consequence: frameshift variant.
Genome position (GRCh38, 1-based): chr12:69,610,016, T duplicated on the plus strand (A on the coding strand, the reverse complement: LRRC10 is on the minus strand). VCF-style (leftmost placement, unchanged base first): chr12-69610015-G-GT. GRCh37 (hg19) VCF-style: chr12-70003795-G-GT.
Other names: short protein forms T275fs.
Identifiers: ClinVar variation 3730535 (VCV003730535.2).
Genomic context (GRCh38, chr12:69,610,015, plus strand): 5'-CAGAACATGCTGCAGTTGGGTCCTTGGCATTGACTTGCAACTGAAGCTCCTCAGGAGTTG[G>GT]TAGGAGGAAGTAGAGGGACTGGTGCCTGTAGCTCCTGGCTTTCCTCTCTGACCAACGCAT-3'

ClinVar aggregate classification (germline): Uncertain significance (1 of 4 stars; one submission).

Submission:

Labcorp Genetics (formerly Invitae), Labcorp
Classification: Uncertain significance. Last evaluated: 2024-02-16. Review status: criteria provided, single submitter. Criteria: Invitae Variant Classification Sherloc (09022015). Collection method: clinical testing. Allele origin: germline.
Comment: This sequence change creates a premature translational stop signal (p.Thr275Asnfs*41) in the LRRC10 gene. While this is not anticipated to result in nonsense mediated decay, it is expected to disrupt the last 3 amino acid(s) of the LRRC10 protein. This variant is present in population databases (no rsID available, gnomAD 0.002%). This variant has not been reported in the literature in individuals affected with LRRC10-related conditions. In summary, the available evidence is currently insufficient to determine the role of this variant in disease. Therefore, it has been classified as a Variant of Uncertain Significance.